The following is an entry in ClinVar:

NM_006129.5(BMP1):c.151G>T (p.Ala51Ser)

Gene: BMP1 (bone morphogenetic protein 1; plus strand). Cytogenetic location: 8p21.3.
Variant type: single nucleotide variant.
Coding change: c.151G>T on transcript NM_006129.5 (MANE Select); coding-DNA position 151, G replaced by T.
Protein change: p.Ala51Ser; replaces alanine 51 with serine.
Molecular consequence: missense variant. On other transcripts: non-coding transcript variant (2).
Genome position (GRCh38, 1-based): chr8:22,173,604, G>T. VCF-style: chr8-22173604-G-T. GRCh37 (hg19) VCF-style: chr8-22031117-G-T.
Other names: c.151G>T, p.Ala51Ser (NM_001199.4); short protein forms A51S.
Identifiers: ClinVar variation 2776535 (VCV002776535.3), dbSNP rs1586436524, ClinGen allele CA370540511.

ClinVar aggregate classification (germline): Uncertain significance (1 of 4 stars; one submission).

Allele frequency attached by ClinVar (database versions not stated): TOPMed 0.00001.
gnomAD v4.1: 1 of 1,608,748 alleles (0.000062%); highest among the groups gnomAD compares: South Asian, 0.0011%; no homozygotes.

Submission:

Labcorp Genetics (formerly Invitae), Labcorp
Classification: Uncertain significance. Last evaluated: 2023-02-18. Review status: criteria provided, single submitter. Criteria: Invitae Variant Classification Sherloc (09022015). Collection method: clinical testing. Allele origin: germline.
Comment: This sequence change replaces alanine, which is neutral and non-polar, with serine, which is neutral and polar, at codon 51 of the BMP1 protein (p.Ala51Ser). This variant is not present in population databases (gnomAD no frequency). This variant has not been reported in the literature in individuals affected with BMP1-related conditions. An algorithm developed to predict the effect of missense changes on protein structure and function (PolyPhen-2) suggests that this variant is likely to be tolerated. In summary, the available evidence is currently insufficient to determine the role of this variant in disease. Therefore, it has been classified as a Variant of Uncertain Significance.